The following is an entry in ClinVar:

NM_198880.3(QRICH1):c.46C>T (p.Arg16Ter)

Gene: QRICH1 (glutamine rich 1; minus strand). Cytogenetic location: 3p21.31.
Variant type: single nucleotide variant.
Coding change: c.46C>T on transcript NM_198880.3 (MANE Select); coding-DNA position 46, C replaced by T.
Protein change: p.Arg16Ter; replaces arginine 16 with a stop codon.
Molecular consequence: nonsense.
Genome position (GRCh38, 1-based): chr3:49,076,972, G>A on the plus strand (C>T on the coding strand, the complement: QRICH1 is on the minus strand). VCF-style: chr3-49076972-G-A. GRCh37 (hg19) VCF-style: chr3-49114405-G-A.
Other names: c.46C>T, p.Arg16Ter (NM_001320580.2, NM_001320581.2, NM_001320582.2 and 4 more transcripts); short protein forms R16*.
Identifiers: ClinVar variation 1329908 (VCV001329908.3), dbSNP rs763953500, ClinGen allele CA352687822.

ClinVar aggregate classification (germline): Pathogenic. Review status: criteria provided, multiple submitters, no conflicts (2 of 4 stars). 2 submissions from 2 submitters: Pathogenic (2). Last evaluated 2025-06-02.

Conditions:
Ververi-Brady syndrome. Identifiers: MedGen C4693824, MONDO:0979877.

gnomAD v4.1: 1 of 1,571,898 alleles (0.000064%); highest among the groups gnomAD compares: Non-Finnish European, 0.000087%; no homozygotes.

Submissions (2):

GeneDx
Classification: Pathogenic. Last evaluated: 2025-06-02. Review status: criteria provided, single submitter. Criteria: GeneDx Variant Classification Process June 2021. Collection method: clinical testing. Allele origin: germline.
Comment: Nonsense variant predicted to result in protein truncation or nonsense mediated decay in a gene for which loss of function is a known mechanism of disease; Not observed at significant frequency in large population cohorts (gnomAD); This variant is associated with the following publications: (PMID: 37331002, 34859529)

Institute of Human Genetics, University of Leipzig Medical Center
Classification: Pathogenic for Ververi-Brady syndrome 1. Last evaluated: 2021-12-21. Review status: criteria provided, single submitter. Criteria: ACMG Guidelines, 2015. Collection method: research. Allele origin: de novo. Affected: yes.

Literature cited by the submitters: PubMed 34859529 (cited by Institute of Human Genetics, University of Leipzig Medical Center).